The following is an entry in ClinVar:

NM_006721.4(ADK):c.1044T>C (p.Ile348=)

Gene: ADK (adenosine kinase; plus strand). Cytogenetic location: 10q22.2.
Variant type: single nucleotide variant.
Coding change: c.1044T>C on transcript NM_006721.4 (MANE Select); coding-DNA position 1044, T replaced by C.
Protein change: p.Ile348=; no amino-acid change (isoleucine 348 retained).
Molecular consequence: synonymous variant. On other transcripts: 3 prime UTR variant (1).
Genome position (GRCh38, 1-based): chr10:74,708,400, T>C. VCF-style: chr10-74708400-T-C. GRCh37 (hg19) VCF-style: chr10-76468158-T-C.
Other names: c.993T>C, p.Ile331= (NM_001123.4); c.939T>C, p.Ile313= (NM_001202449.2); c.873T>C, p.Ile291= (NM_001202450.2); c.*44T>C (NM_001369123.1); c.822T>C, p.Ile274= (NM_001369124.1).
Identifiers: ClinVar variation 2640599 (VCV002640599.24), dbSNP rs2548202790, ClinGen allele CA470254301.
Genomic context (GRCh38, chr10:74,708,400, plus strand): 5'-CTCTGACAAGCCTCTGACTGAATGTATCCGTGCTGGCCACTATGCAGCAAGCATCATAAT[T>C]AGACGGACTGGCTGCACCTTTCCTGAGAAGCCAGACTTCCACTGATGGAAGAGCTGAAAA-3'
Protein context (NP_006712.2, residues 338-358): RAGHYAASII[Ile348=]RRTGCTFPEK

ClinVar aggregate classification (germline): Likely benign (1 of 4 stars; one submission).

Submission:

CeGaT Center for Human Genetics Tuebingen
Classification: Likely benign. Last evaluated: 2022-04-01. Review status: criteria provided, single submitter. Criteria: CeGaT Center For Human Genetics Tuebingen Variant Classification Criteria Version 2. Collection method: clinical testing. Allele origin: germline. Affected: yes. Observed: 1 variant allele.
Comment: ADK: PM2:Supporting, BP4, BP7